The following is an entry in ClinVar:

NM_001378454.1(ALMS1):c.10079-19A>G

Gene: ALMS1 (ALMS1 centrosome and basal body associated protein; plus strand). Cytogenetic location: 2p13.1.
Variant type: single nucleotide variant.
Coding change: c.10079-19A>G on transcript NM_001378454.1 (MANE Select); 19 bases into the intron before coding-DNA position 10079, A replaced by G.
Molecular consequence: intron variant.
Genome position (GRCh38, 1-based): chr2:73,557,201, A>G. VCF-style: chr2-73557201-A-G. GRCh37 (hg19) VCF-style: chr2-73784328-A-G.
Other names: c.10079-19A>G (NM_015120.4); c.10082-19A>G (NM_015120.4).
Identifiers: ClinVar variation 555534 (VCV000555534.5), dbSNP rs935864365, ClinGen allele CA50374782.

ClinVar aggregate classification (germline): Uncertain significance. Review status: criteria provided, single submitter (1 of 4 stars). 2 submissions from 2 submitters: Uncertain significance (1). 1 of the submissions does not count toward it. Last evaluated 2025-01-14.

Conditions:
Alstrom syndrome (ALMS). Identifiers: Orphanet 64, MedGen C0268425, MONDO:0008763, OMIM 203800.

Allele frequency attached by ClinVar (database versions not stated): gnomAD exomes below 0.00001; TOPMed 0.00001.
gnomAD v4.1: 6 of 1,614,002 alleles (0.00037%); highest among the groups gnomAD compares: African/African-American, 0.0013%; no homozygotes.

Submissions (2):

Labcorp Genetics (formerly Invitae), Labcorp
Classification: Uncertain significance for Alstrom syndrome. Last evaluated: 2025-01-14. Review status: criteria provided, single submitter. Criteria: Invitae Variant Classification Sherloc (09022015). Collection method: clinical testing. Allele origin: germline.
Comment: This sequence change falls in intron 13 of the ALMS1 gene. It does not directly change the encoded amino acid sequence of the ALMS1 protein. This variant is not present in population databases (gnomAD no frequency). This variant has not been reported in the literature in individuals affected with ALMS1-related conditions. ClinVar contains an entry for this variant (Variation ID: 555534). Algorithms developed to predict the effect of sequence changes on RNA splicing suggest that this variant may disrupt the consensus splice site. In summary, the available evidence is currently insufficient to determine the role of this variant in disease. Therefore, it has been classified as a Variant of Uncertain Significance.

Counsyl
Classification: Likely benign for Alstrom syndrome. Last evaluated: 2017-12-12. Review status: no assertion criteria provided. Collection method: clinical testing. Allele origin: unknown. Not counted in ClinVar's aggregate classification.